The following is an entry in ClinVar:

NM_002168.4(IDH2):c.1358A>G (p.Ter453Trp)

Gene: IDH2 (isocitrate dehydrogenase (NADP(+)) 2; minus strand). Cytogenetic location: 15q26.1.
Variant type: single nucleotide variant.
Coding change: c.1358A>G on transcript NM_002168.4 (MANE Select); coding-DNA position 1358, A replaced by G.
Protein change: p.Ter453Trp.
Molecular consequence: stop lost.
Genome position (GRCh38, 1-based): chr15:90,084,267, T>C on the plus strand (A>G on the coding strand, the complement: IDH2 is on the minus strand). VCF-style: chr15-90084267-T-C. GRCh37 (hg19) VCF-style: chr15-90627499-T-C.
Other names: c.1202A>G, p.Ter401Trp (NM_001289910.1); c.968A>G, p.Ter323Trp (NM_001290114.2).
Identifiers: ClinVar variation 2695575 (VCV002695575.3), dbSNP rs2505782481, ClinGen allele CA393817461.

ClinVar aggregate classification (germline): Uncertain significance (1 of 4 stars; one submission).

Conditions:
D-2-hydroxyglutaric aciduria 2 (D2HGA2). Identifiers: Orphanet 79315, MedGen C3150909, MONDO:0013345, OMIM 613657.

Submission:

Labcorp Genetics (formerly Invitae), Labcorp
Classification: Uncertain significance for D-2-hydroxyglutaric aciduria 2. Last evaluated: 2023-11-13. Review status: criteria provided, single submitter. Criteria: Invitae Variant Classification Sherloc (09022015). Collection method: clinical testing. Allele origin: germline.
Comment: This sequence change disrupts the translational stop signal of the IDH2 mRNA. It is expected to extend the length of the IDH2 protein by 42 additional amino acid residues. This variant is not present in population databases (gnomAD no frequency). This variant has not been reported in the literature in individuals affected with IDH2-related conditions. Experimental studies and prediction algorithms are not available or were not evaluated, and the functional significance of this variant is currently unknown. In summary, the available evidence is currently insufficient to determine the role of this variant in disease. Therefore, it has been classified as a Variant of Uncertain Significance.